The following is an entry in ClinVar:

NM_001370658.1(BTD):c.1207del (p.Cys403fs)

Gene: BTD (biotinidase; plus strand). Cytogenetic location: 3p25.1.
Variant type: Deletion.
Coding change: c.1207del on transcript NM_001370658.1 (MANE Select); coding-DNA position 1207, one base deleted (T; older notation c.1207delT).
Protein change: p.Cys403fs; shifts the reading frame from cysteine 403.
Molecular consequence: frameshift variant. On other transcripts: intron variant (8).
Genome position (GRCh38, 1-based): chr3:15,645,123, T deleted. VCF-style (leftmost placement, unchanged base first): chr3-15645122-CT-C. GRCh37 (hg19) VCF-style: chr3-15686629-CT-C.
Other names: c.1207del, p.Cys403fs (NM_001407364.1, NM_001407365.1, NM_001407366.1 and 16 more transcripts); c.1015+192del (NM_001370752.1, NM_001407379.1); c.399+3066del (NM_001370753.1, NM_001407400.1, NM_001407380.1 and 3 more transcripts); short protein forms C403fs.
Identifiers: ClinVar variation 2696148 (VCV002696148.3), dbSNP rs2471519395, ClinGen allele CA2697550716.

ClinVar aggregate classification (germline): Pathogenic (1 of 4 stars; one submission).

Conditions:
Biotinidase deficiency. Also called: BTD deficiency; Late-onset biotin-responsive multiple carboxylase deficiency; Biotin deficiency. Identifiers: Orphanet 79241, MedGen C0220754, MONDO:0009665, OMIM 253260.

Submission:

Labcorp Genetics (formerly Invitae), Labcorp
Classification: Pathogenic for Biotinidase deficiency. Last evaluated: 2023-11-15. Review status: criteria provided, single submitter. Criteria: Invitae Variant Classification Sherloc (09022015). Collection method: clinical testing. Allele origin: germline.
Comment: This sequence change creates a premature translational stop signal (p.Cys423Alafs*78) in the BTD gene. While this is not anticipated to result in nonsense mediated decay, it is expected to disrupt the last 121 amino acid(s) of the BTD protein. This variant is not present in population databases (gnomAD no frequency). This variant has not been reported in the literature in individuals affected with BTD-related conditions. This variant disrupts a region of the BTD protein in which other variant(s) (p.Asp543Glu) have been determined to be pathogenic (PMID: 25174816, 25967232, 28498829). This suggests that this is a clinically significant region of the protein, and that variants that disrupt it are likely to be disease-causing. For these reasons, this variant has been classified as Pathogenic.

Literature cited by the submitters: PubMed 25174816; PubMed 25967232; PubMed 28498829.